The following is an entry in ClinVar:

NM_001365951.3(KIF1B):c.5270A>G (p.Asp1757Gly)

Gene: KIF1B (kinesin family member 1B; plus strand). Cytogenetic location: 1p36.22.
Variant type: single nucleotide variant.
Coding change: c.5270A>G on transcript NM_001365951.3 (MANE Select); coding-DNA position 5270, A replaced by G.
Protein change: p.Asp1757Gly; replaces aspartic acid 1757 with glycine.
Molecular consequence: missense variant.
Genome position (GRCh38, 1-based): chr1:10,375,027, A>G. VCF-style: chr1-10375027-A-G. GRCh37 (hg19) VCF-style: chr1-10435085-A-G.
Other names: c.5270A>G, p.Asp1757Gly (NM_001365952.1); c.5132A>G, p.Asp1711Gly (NM_015074.3); short protein forms D1711G, D1757G.
Identifiers: ClinVar variation 3534028 (VCV003534028.1).

ClinVar aggregate classification (germline): Uncertain significance (1 of 4 stars; one submission).

Submission:

Ambry Genetics
Classification: Uncertain significance. Last evaluated: 2024-09-23. Review status: criteria provided, single submitter. Criteria: Ambry Variant Classification Scheme 2023. Collection method: clinical testing. Allele origin: germline.
Comment: The p.D1711G variant (also known as c.5132A>G), located in coding exon 44 of the KIF1B gene, results from an A to G substitution at nucleotide position 5132. The aspartic acid at codon 1711 is replaced by glycine, an amino acid with similar properties. This amino acid position is conserved. In addition, the in silico prediction for this alteration is inconclusive. Based on the available evidence, the clinical significance of this variant remains unclear.